The following is an entry in ClinVar:

ClinVar aggregate classification (germline): Pathogenic (1 of 4 stars; one submission).

Conditions:
Congenital hyperammonemia, type I. Also called: CPS I DEFICIENCY; Carbamoyl phosphate synthetase 1 deficiency; Hyperammonemia due to carbamoyl phosphate synthetase 1 deficiency; CPS 1 deficiency; Carbamyl phosphate synthetase (CPS) deficiency; Carbamoyl phosphate synthetase I deficiency disease. Identifiers: Orphanet 147, MedGen C4082171, MONDO:0009376, OMIM 237300.

Submission:

Myriad Genetics, Inc.
Classification: Pathogenic for Congenital hyperammonemia, type I. Last evaluated: 2023-08-17. Review status: criteria provided, single submitter. Criteria: Myriad Autosomal Dominant, Autosomal Recessive and X-Linked Classification Criteria (2023). Collection method: clinical testing. Allele origin: unknown.
Comment: NM_001875.4(CPS1):c.3885_3886ins7(D1297Sfs*10) is expected to be pathogenic in the context of carbamoylphosphate synthetase I deficiency. This variant is predicted to lead to an abnormal or absent protein product due to the creation of a premature termination codon in CPS1, a gene where loss-of-function variants are known to be pathogenic. Please note: this variant was assessed in the context of healthy population screening.

NM_001875.5(CPS1):c.3885_3886insCTGTCTC (p.Asp1297fs)

Gene: CPS1 (carbamoyl-phosphate synthase 1; plus strand). Cytogenetic location: 2q34.
Variant type: Insertion.
Coding change: c.3885_3886insCTGTCTC on transcript NM_001875.5 (MANE Select); coding-DNA positions 3885 to 3886, CTGTCTC inserted.
Protein change: p.Asp1297fs; shifts the reading frame from aspartic acid 1297.
Molecular consequence: frameshift variant. On other transcripts: non-coding transcript variant (2).
Genome position: GRCh38 VCF-style: chr2-210660613-A-ACTGTCTC. GRCh37 (hg19) VCF-style: chr2-211525337-A-ACTGTCTC.
Other names: c.3885_3886insCTGTCTC, p.Asp1297fs (NM_001122633.3, NM_001369257.1); c.3918_3919insCTGTCTC, p.Asp1308fs (NM_001369256.1); short protein forms D1297fs, D1308fs.
Identifiers: ClinVar variation 5011370 (VCV005011370.1).